The following is an entry in ClinVar:

NM_175875.5(SIX5):c.1422C>A (p.Asn474Lys)

Gene: SIX5 (SIX homeobox 5; minus strand). Cytogenetic location: 19q13.32.
Variant type: single nucleotide variant.
Coding change: c.1422C>A on transcript NM_175875.5 (MANE Select); coding-DNA position 1422, C replaced by A.
Protein change: p.Asn474Lys; replaces asparagine 474 with lysine.
Molecular consequence: missense variant.
Genome position (GRCh38, 1-based): chr19:45,766,537, G>T on the plus strand (C>A on the coding strand, the complement: SIX5 is on the minus strand). VCF-style: chr19-45766537-G-T. GRCh37 (hg19) VCF-style: chr19-46269795-G-T.
Other names: short protein forms N474K.
Identifiers: ClinVar variation 4767853 (VCV004767853.1).

ClinVar aggregate classification (germline): Uncertain significance (1 of 4 stars; one submission).

gnomAD v4.1: 3 of 1,489,616 alleles (0.0002%); highest among the groups gnomAD compares: Non-Finnish European, 0.00027%; no homozygotes.

Submission:

Labcorp Genetics (formerly Invitae), Labcorp
Classification: Uncertain significance. Last evaluated: 2025-02-08. Review status: criteria provided, single submitter. Criteria: Invitae Variant Classification Sherloc (09022015). Collection method: clinical testing. Allele origin: germline.
Comment: This sequence change replaces asparagine, which is neutral and polar, with lysine, which is basic and polar, at codon 474 of the SIX5 protein (p.Asn474Lys). This variant is not present in population databases (gnomAD no frequency). This variant has not been reported in the literature in individuals affected with SIX5-related conditions. Invitae Evidence Modeling of protein sequence and biophysical properties (such as structural, functional, and spatial information, amino acid conservation, physicochemical variation, residue mobility, and thermodynamic stability) indicates that this missense variant is not expected to disrupt SIX5 protein function with a negative predictive value of 80%. In summary, the available evidence is currently insufficient to determine the role of this variant in disease. Therefore, it has been classified as a Variant of Uncertain Significance.